The following is an entry in ClinVar:

NM_000283.4(PDE6B):c.2427G>A (p.Ala809=)

Gene: PDE6B (phosphodiesterase 6B; plus strand). Cytogenetic location: 4p16.3.
Variant type: single nucleotide variant.
Coding change: c.2427G>A on transcript NM_000283.4 (MANE Select); coding-DNA position 2427, G replaced by A.
Protein change: p.Ala809=; no amino-acid change (alanine 809 retained).
Molecular consequence: synonymous variant.
Genome position (GRCh38, 1-based): chr4:667,930, G>A. VCF-style: chr4-667930-G-A. GRCh37 (hg19) VCF-style: chr4-661719-G-A.
Other names: c.2427G>A (NM_000283.3); c.2427G>A, p.Ala809= (NM_001145291.2); c.1590G>A, p.Ala530= (NM_001145292.2, NM_001350154.3, NM_001379246.1 and 1 more transcripts); c.1272G>A, p.Ala424= (NM_001350155.3).
Identifiers: ClinVar variation 2416153 (VCV002416153.8), dbSNP rs376363879, ClinGen allele CA2795058.

ClinVar aggregate classification (germline): Likely benign. Review status: criteria provided, multiple submitters, no conflicts (2 of 4 stars). 2 submissions from 2 submitters: Likely benign (2). Last evaluated 2025-03-25.

Conditions:
PDE6B-related disorder. Also called: PDE6B-related disease; PDE6B-related condition; PDE6B-related disorders.

Allele frequency attached by ClinVar (database versions not stated): gnomAD exomes 0.00001; ExAC 0.00002; gnomAD 0.00002; TOPMed 0.00004; ESP Exome Variant Server 0.00008.
gnomAD v4.1: 11 of 1,613,142 alleles (0.00068%); highest among the groups gnomAD compares: Middle Eastern, 0.016%; no homozygotes.

Submissions (2):

PreventionGenetics, part of Exact Sciences
Classification: Likely benign for PDE6B-related condition. Last evaluated: 2025-03-25. Review status: criteria provided, single submitter. Criteria: ACMG Guidelines, 2015. Collection method: clinical testing. Allele origin: germline.
Comment: This variant is classified as likely benign based on ACMG/AMP sequence variant interpretation guidelines (Richards et al. 2015 PMID: 25741868, with internal and published modifications).

Labcorp Genetics (formerly Invitae), Labcorp
Classification: Likely benign. Last evaluated: 2023-12-26. Review status: criteria provided, single submitter. Criteria: Invitae Variant Classification Sherloc (09022015). Collection method: clinical testing. Allele origin: germline.